The following is an entry in ClinVar:

NM_000521.4(HEXB):c.771+5G>C

Gene: HEXB (hexosaminidase subunit beta; plus strand). Cytogenetic location: 5q13.3.
Variant type: single nucleotide variant.
Coding change: c.771+5G>C on transcript NM_000521.4 (MANE Select); 5 bases into the intron after coding-DNA position 771, G replaced by C.
Molecular consequence: intron variant.
Genome position (GRCh38, 1-based): chr5:74,705,325, G>C. VCF-style: chr5-74705325-G-C. GRCh37 (hg19) VCF-style: chr5-74001150-G-C.
Other names: c.96+5G>C (NM_001292004.2).
Identifiers: ClinVar variation 167174 (VCV000167174.7), dbSNP rs727503959, ClinGen allele CA203234.

ClinVar aggregate classification (germline): Conflicting classifications of pathogenicity. Review status: criteria provided, conflicting classifications (1 of 4 stars). 2 submissions from 2 submitters: Likely pathogenic (1); Uncertain significance (1). Last evaluated 2020-06-08.

Conditions:
Sandhoff disease. Also called: GM2-GANGLIOSIDOSIS, TYPE II; HEXOSAMINIDASES A AND B DEFICIENCY; Beta-hexosaminidase-beta-subunit deficiency; GM2 gangliosidosis, type 2; Total hexosaminidase deficiency; Sandhoff-Jatzkewitz-Pilz disease. Identifiers: Orphanet 796, MedGen C0036161, MONDO:0010006, OMIM 268800.

Allele frequency attached by ClinVar (database versions not stated): gnomAD exomes below 0.00001.
gnomAD v4.1: 1 of 1,458,416 alleles (0.000069%); highest among the groups gnomAD compares: Middle Eastern, 0.017%; no homozygotes.

Submissions (2):

Baylor Genetics
Classification: Uncertain significance for Sandhoff disease. Last evaluated: 2020-06-08. Review status: criteria provided, single submitter. Criteria: ACMG Guidelines, 2015. Collection method: clinical testing. Allele origin: unknown. Affected: yes.
Comment: This variant was determined to be of uncertain significance according to ACMG Guidelines, 2015 [PMID:25741868].

Eurofins Ntd Llc (ga)
Classification: Likely pathogenic. Last evaluated: 2017-04-12. Review status: criteria provided, single submitter. Criteria: EGL Classification Definitions. Collection method: clinical testing. Allele origin: germline. Observed: 6 variant alleles, 3 heterozygotes, 3 homozygotes.